The following is an entry in ClinVar:

NM_004380.3(CREBBP):c.4440T>C (p.Asp1480=)

Gene: CREBBP (CREB binding lysine acetyltransferase; minus strand). Cytogenetic location: 16p13.3.
Variant type: single nucleotide variant.
Coding change: c.4440T>C on transcript NM_004380.3 (MANE Select); coding-DNA position 4440, T replaced by C.
Protein change: p.Asp1480=; no amino-acid change (aspartic acid 1480 retained).
Molecular consequence: synonymous variant.
Genome position (GRCh38, 1-based): chr16:3,736,770, A>G on the plus strand (T>C on the coding strand, the complement: CREBBP is on the minus strand). VCF-style: chr16-3736770-A-G. GRCh37 (hg19) VCF-style: chr16-3786771-A-G.
Other names: c.4440T>C (NM_004380.2); c.4326T>C, p.Asp1442= (NM_001079846.1).
Identifiers: ClinVar variation 2413438 (VCV002413438.7), dbSNP rs774292416, ClinGen allele CA7869518.

ClinVar aggregate classification (germline): Likely benign. Review status: criteria provided, multiple submitters, no conflicts (2 of 4 stars). 3 submissions from 3 submitters: Likely benign (2). 1 of the submissions does not count toward it. Last evaluated 2024-09-30.

Conditions:
Rubinstein-Taybi syndrome (RSTS). Identifiers: Orphanet 783, MedGen C0035934, MONDO:0019188.
CREBBP-related disorder. Also called: CREBBP-related disorders; CREBBP-related condition.

Allele frequency attached by ClinVar (database versions not stated): gnomAD exomes below 0.00001; TOPMed below 0.00001; ExAC 0.00001; gnomAD 0.00001.
gnomAD v4.1: 5 of 1,614,086 alleles (0.00031%); highest among the groups gnomAD compares: Middle Eastern, 0.016%; no homozygotes.

Submissions (3):

Labcorp Genetics (formerly Invitae), Labcorp
Classification: Likely benign for Rubinstein-Taybi syndrome. Last evaluated: 2024-09-30. Review status: criteria provided, single submitter. Criteria: Invitae Variant Classification Sherloc (09022015). Collection method: clinical testing. Allele origin: germline.

Blueprint Genetics
Classification: Likely benign. Last evaluated: 2021-04-07. Review status: criteria provided, single submitter. Criteria: ACMG Guidelines, 2015. Collection method: clinical testing. Allele origin: germline.

PreventionGenetics, part of Exact Sciences
Classification: Likely benign for CREBBP-related condition. Last evaluated: 2024-01-22. Review status: no assertion criteria provided. Collection method: clinical testing. Allele origin: germline. Not counted in ClinVar's aggregate classification.
Comment: This variant is classified as likely benign based on ACMG/AMP sequence variant interpretation guidelines (Richards et al. 2015 PMID: 25741868, with internal and published modifications).